The following is an entry in ClinVar:

ClinVar aggregate classification (germline): Uncertain significance (1 of 4 stars; one submission).

Submission:

Women's Health and Genetics/Laboratory Corporation of America, LabCorp
Classification: Uncertain significance. Last evaluated: 2025-06-16. Review status: criteria provided, single submitter. Criteria: LabCorp Variant Classification Summary - May 2015. Collection method: clinical testing. Allele origin: germline.
Comment: Variant summary: MYO15A c.9228A>G (p.Leu3076Leu) alters a conserved nucleotide located close to a canonical splice site and therefore could affect mRNA splicing, leading to a significantly altered protein sequence. Several computational tools predict a significant impact on normal splicing: Three predict the variant abolishes a 5' splicing donor site. One predict the variant weakens a 5' donor site. However, these predictions have yet to be confirmed by functional studies. The variant was absent in 249482 control chromosomes. The available data on variant occurrences in the general population are insufficient to allow any conclusion about variant significance. To our knowledge, no occurrence of c.9228A>G in individuals affected with Autosomal Recessive Nonsyndromic Hearing Loss 3 and no experimental evidence demonstrating its impact on protein function have been reported. No submitters have cited clinical-significance assessments for this variant to ClinVar. Based on the evidence outlined above, the variant was classified as uncertain significance.

NM_016239.4(MYO15A):c.9228A>G (p.Leu3076=)

Gene: MYO15A (myosin XVA; plus strand). Cytogenetic location: 17p11.2.
Variant type: single nucleotide variant.
Coding change: c.9228A>G on transcript NM_016239.4 (MANE Select); coding-DNA position 9228, A replaced by G.
Protein change: p.Leu3076=; no amino-acid change (leucine 3076 retained).
Molecular consequence: synonymous variant.
Genome position (GRCh38, 1-based): chr17:18,159,346, A>G. VCF-style: chr17-18159346-A-G. GRCh37 (hg19) VCF-style: chr17-18062660-A-G.
Identifiers: ClinVar variation 3907076 (VCV003907076.1).
Genomic context (GRCh38, chr17:18,159,346, plus strand): 5'-GGAATCCCTCATCGAACTCAGCGACAGCAGCCTCAGCAAGATGGCCACCGACATGTTCCT[A>G]GGTGTGGGAGTGGGACTGCAGCCAGGGCTCTGGGCTAGGTGGGATCCAGCACTGTGTGAT-3'
Protein context (NP_057323.3, residues 3066-3086): SLSKMATDMF[Leu3076=]AVMRFMGDAP